The following is an entry in ClinVar:

ClinVar aggregate classification (germline): Likely benign. Review status: criteria provided, single submitter (1 of 4 stars). 2 submissions from 2 submitters: Likely benign (1). 1 of the submissions does not count toward it. Last evaluated 2018-04-17.

Conditions:
NDST1-related disorder. Also called: NDST1-related condition.

Allele frequency attached by ClinVar (database versions not stated): ExAC 0.00004; gnomAD exomes 0.00004; ESP Exome Variant Server 0.00008; gnomAD 0.00009; TOPMed 0.00020.
gnomAD v4.1: 65 of 1,596,894 alleles (0.0041%); highest among the groups gnomAD compares: Admixed American, 0.027%; no homozygotes.

Submissions (2):

Labcorp Genetics (formerly Invitae), Labcorp
Classification: Likely benign. Last evaluated: 2018-04-17. Review status: criteria provided, single submitter. Criteria: Invitae Variant Classification Sherloc (09022015). Collection method: clinical testing. Allele origin: germline.

PreventionGenetics, part of Exact Sciences
Classification: Likely benign for NDST1-related condition. Last evaluated: 2019-03-29. Review status: no assertion criteria provided. Collection method: clinical testing. Allele origin: germline. Not counted in ClinVar's aggregate classification.
Comment: This variant is classified as likely benign based on ACMG/AMP sequence variant interpretation guidelines (Richards et al. 2015 PMID: 25741868, with internal and published modifications).

NM_001543.5(NDST1):c.1749+8G>A

Gene: NDST1 (N-deacetylase and N-sulfotransferase 1; plus strand). Cytogenetic location: 5q33.1.
Variant type: single nucleotide variant.
Coding change: c.1749+8G>A on transcript NM_001543.5 (MANE Select); 8 bases into the intron after coding-DNA position 1749, G replaced by A.
Molecular consequence: intron variant.
Genome position (GRCh38, 1-based): chr5:150,540,272, G>A. VCF-style: chr5-150540272-G-A. GRCh37 (hg19) VCF-style: chr5-149919834-G-A.
Other names: c.1749+8G>A (NM_001301063.2).
Identifiers: ClinVar variation 740455 (VCV000740455.5), dbSNP rs370928116, ClinGen allele CA3512767.